The following is an entry in ClinVar:

NM_004369.4(COL6A3):c.658T>A (p.Ser220Thr)

Gene: COL6A3 (collagen type VI alpha 3 chain; minus strand). Cytogenetic location: 2q37.3.
Variant type: single nucleotide variant.
Coding change: c.658T>A on transcript NM_004369.4 (MANE Select); coding-DNA position 658, T replaced by A.
Protein change: p.Ser220Thr; replaces serine 220 with threonine.
Molecular consequence: missense variant. On other transcripts: intron variant (4).
Genome position (GRCh38, 1-based): chr2:237,394,638, A>T on the plus strand (T>A on the coding strand, the complement: COL6A3 is on the minus strand). VCF-style: chr2-237394638-A-T. GRCh37 (hg19) VCF-style: chr2-238303281-A-T.
Other names: c.91+2089T>A (NM_057166.5, NM_057167.4, NM_057164.5 and 1 more transcripts); short protein forms S220T.
Identifiers: ClinVar variation 2857425 (VCV002857425.3), dbSNP rs2078381340, ClinGen allele CA351226558.

ClinVar aggregate classification (germline): Uncertain significance (1 of 4 stars; one submission).

Conditions:
Bethlem myopathy 1A. Also called: Bethlem myopathy 1; MYOPATHY, BENIGN CONGENITAL, WITH CONTRACTURES; Bethlem Muscular Dystrophy. Identifiers: Orphanet 610, MedGen CN029274, MONDO:0024530, OMIM 158810.

Submission:

Labcorp Genetics (formerly Invitae), Labcorp
Classification: Uncertain significance for Bethlem myopathy 1A. Last evaluated: 2023-04-24. Review status: criteria provided, single submitter. Criteria: Invitae Variant Classification Sherloc (09022015). Collection method: clinical testing. Allele origin: germline.
Comment: In summary, the available evidence is currently insufficient to determine the role of this variant in disease. Therefore, it has been classified as a Variant of Uncertain Significance. Advanced modeling of protein sequence and biophysical properties (such as structural, functional, and spatial information, amino acid conservation, physicochemical variation, residue mobility, and thermodynamic stability) performed at Invitae indicates that this missense variant is not expected to disrupt COL6A3 protein function. This variant has not been reported in the literature in individuals affected with COL6A3-related conditions. This variant is not present in population databases (gnomAD no frequency). This sequence change replaces serine, which is neutral and polar, with threonine, which is neutral and polar, at codon 220 of the COL6A3 protein (p.Ser220Thr).